The following is an entry in ClinVar:

ClinVar aggregate classification (germline): Conflicting classifications of pathogenicity. Review status: criteria provided, conflicting classifications (1 of 4 stars). 4 submissions from 4 submitters: Uncertain significance (1); Likely benign (3). Last evaluated 2025-10-11.

Conditions:
Landau-Kleffner syndrome (FESD). Also called: EPILEPSY, FOCAL, WITH SPEECH DISORDER AND WITH OR WITHOUT MENTAL RETARDATION; APHASIA, ACQUIRED, WITH EPILEPSY. Identifiers: Orphanet 1945, Orphanet 725, Orphanet 98818, MedGen C0282512, MONDO:0009509, OMIM 245570.

Allele frequency attached by ClinVar (database versions not stated): TOPMed 0.00001.
gnomAD v4.1: 28 of 1,613,858 alleles (0.0017%); highest among the groups gnomAD compares: Admixed American, 0.005%; no homozygotes.

Submissions (4):

Labcorp Genetics (formerly Invitae), Labcorp
Classification: Likely benign for Landau-Kleffner syndrome. Last evaluated: 2025-10-11. Review status: criteria provided, single submitter. Criteria: Invitae Variant Classification Sherloc (09022015). Collection method: clinical testing. Allele origin: germline.

CeGaT Center for Human Genetics Tuebingen
Classification: Likely benign. Last evaluated: 2025-08-01. Review status: criteria provided, single submitter. Criteria: CeGaT Center For Human Genetics Tuebingen Variant Classification Criteria Version 2. Collection method: clinical testing. Allele origin: germline. Affected: yes. Observed: 1 variant allele.
Comment: GRIN2A: BP4

GeneDx
Classification: Likely benign. Last evaluated: 2018-10-02. Review status: criteria provided, single submitter. Criteria: GeneDx Variant Classification Process June 2021. Collection method: clinical testing. Allele origin: germline. Affected: yes.

Illumina Laboratory Services, Illumina
Classification: Uncertain significance for Landau-Kleffner syndrome. Last evaluated: 2018-01-13. Review status: criteria provided, single submitter. Criteria: ICSL Variant Classification Criteria 13 December 2019. Collection method: clinical testing. Allele origin: germline.

NM_001134407.3(GRIN2A):c.3854G>T (p.Arg1285Met)

Gene: GRIN2A (glutamate ionotropic receptor NMDA type subunit 2A; minus strand). Cytogenetic location: 16p13.2.
Variant type: single nucleotide variant.
Coding change: c.3854G>T on transcript NM_001134407.3 (MANE Select); coding-DNA position 3854, G replaced by T.
Protein change: p.Arg1285Met; replaces arginine 1285 with methionine.
Molecular consequence: missense variant. On other transcripts: intron variant (1).
Genome position (GRCh38, 1-based): chr16:9,763,690, C>A on the plus strand (G>T on the coding strand, the complement: GRIN2A is on the minus strand). VCF-style: chr16-9763690-C-A. GRCh37 (hg19) VCF-style: chr16-9857547-C-A.
Other names: c.3854G>T, p.Arg1285Met (NM_000833.5); c.3772+82G>T (NM_001134408.2); short protein forms R1285M.
Identifiers: ClinVar variation 579885 (VCV000579885.24), dbSNP rs367543132, ClinGen allele CA7896247.